The following is an entry in ClinVar:

ClinVar aggregate classification (germline): Uncertain significance (1 of 4 stars; one submission).

Conditions:
Hypertrophic cardiomyopathy. Also called: HYPERTROPHIC MYOCARDIOPATHY. Identifiers: Orphanet 217569, MedGen C0007194, MeSH D002312, MONDO:0005045, HP:0001639.

Allele frequency attached by ClinVar (database versions not stated): TOPMed below 0.00001; gnomAD 0.00001.
gnomAD v4.1: 1 of 1,614,110 alleles (0.000062%); highest among the groups gnomAD compares: African/African-American, 0.0013%; no homozygotes.

Submission:

Labcorp Genetics (formerly Invitae), Labcorp
Classification: Uncertain significance for Hypertrophic cardiomyopathy. Last evaluated: 2023-09-30. Review status: criteria provided, single submitter. Criteria: Invitae Variant Classification Sherloc (09022015). Collection method: clinical testing. Allele origin: germline.
Comment: In summary, the available evidence is currently insufficient to determine the role of this variant in disease. Therefore, it has been classified as a Variant of Uncertain Significance. This sequence change replaces serine, which is neutral and polar, with isoleucine, which is neutral and non-polar, at codon 252 of the TPM1 protein (p.Ser252Ile). This variant is present in population databases (no rsID available, gnomAD 0.01%). This variant has not been reported in the literature in individuals affected with TPM1-related conditions. ClinVar contains an entry for this variant (Variation ID: 1507249). An algorithm developed to predict the effect of missense changes on protein structure and function (PolyPhen-2) suggests that this variant is likely to be disruptive.

NM_001018005.2(TPM1):c.755G>T (p.Ser252Ile)

Gene: TPM1 (tropomyosin 1; plus strand). Cytogenetic location: 15q22.2.
Variant type: single nucleotide variant.
Coding change: c.755G>T on transcript NM_001018005.2 (MANE Select); coding-DNA position 755, G replaced by T.
Protein change: p.Ser252Ile; replaces serine 252 with isoleucine.
Molecular consequence: missense variant.
Genome position (GRCh38, 1-based): chr15:63,062,628, G>T. VCF-style: chr15-63062628-G-T. GRCh37 (hg19) VCF-style: chr15-63354827-G-T.
Other names: c.755G>T, p.Ser252Ile (NM_000366.6, NM_001018004.2, NM_001018006.2 and 6 more transcripts); c.647G>T, p.Ser216Ile (NM_001018008.2, NM_001301289.2, NM_001330344.2 and 5 more transcripts); c.881G>T, p.Ser294Ile (NM_001365778.1); short protein forms S216I, S294I, S252I.
Identifiers: ClinVar variation 1507249 (VCV001507249.8), dbSNP rs1375629623, ClinGen allele CA392724648.